The following is an entry in ClinVar:

ClinVar aggregate classification (germline): Uncertain significance. Review status: criteria provided, multiple submitters, no conflicts (2 of 4 stars). 2 submissions from 2 submitters: Uncertain significance (2). Last evaluated 2024-05-23.

Conditions:
Hereditary cancer-predisposing syndrome. Also called: Hereditary Cancer Syndrome; Neoplastic Syndromes, Hereditary; Tumor predisposition; Hereditary neoplastic syndrome. Identifiers: Orphanet 140162, MedGen C0027672, MeSH D009386, MONDO:0015356.
Rhabdoid tumor predisposition syndrome 2 (RTPS2). Identifiers: Orphanet 231108, Orphanet 69077, MedGen C2750074, MONDO:0013224, OMIM 613325.

Submissions (2):

Labcorp Genetics (formerly Invitae), Labcorp
Classification: Uncertain significance for Rhabdoid tumor predisposition syndrome 2. Last evaluated: 2024-05-23. Review status: criteria provided, single submitter. Criteria: Invitae Variant Classification Sherloc (09022015). Collection method: clinical testing. Allele origin: germline.
Comment: This sequence change replaces arginine, which is basic and polar, with glycine, which is neutral and non-polar, at codon 1593 of the SMARCA4 protein (p.Arg1593Gly). This variant is not present in population databases (gnomAD no frequency). This variant has not been reported in the literature in individuals affected with SMARCA4-related conditions. ClinVar contains an entry for this variant (Variation ID: 1743003). Advanced modeling of protein sequence and biophysical properties (such as structural, functional, and spatial information, amino acid conservation, physicochemical variation, residue mobility, and thermodynamic stability) performed at Invitae indicates that this missense variant is not expected to disrupt SMARCA4 protein function with a negative predictive value of 95%. In summary, the available evidence is currently insufficient to determine the role of this variant in disease. Therefore, it has been classified as a Variant of Uncertain Significance.

Ambry Genetics
Classification: Uncertain significance for Hereditary cancer-predisposing syndrome. Last evaluated: 2017-11-30. Review status: criteria provided, single submitter. Criteria: Ambry Variant Classification Scheme 2023. Collection method: clinical testing. Allele origin: germline.
Comment: The p.R1593G variant (also known as c.4777C>G), located in coding exon 33 of the SMARCA4 gene, results from a C to G substitution at nucleotide position 4777. The arginine at codon 1593 is replaced by glycine, an amino acid with dissimilar properties. This amino acid position is highly conserved in available vertebrate species. In addition, the in silico prediction for this alteration is inconclusive. Since supporting evidence is limited at this time, the clinical significance of this alteration remains unclear.

NM_003072.5(SMARCA4):c.4681C>G (p.Arg1561Gly)

Gene: SMARCA4 (SWI/SNF related BAF chromatin remodeling complex subunit ATPase 4; plus strand). Cytogenetic location: 19p13.2.
Variant type: single nucleotide variant.
Coding change: c.4681C>G on transcript NM_003072.5 (MANE Select); coding-DNA position 4681, C replaced by G.
Protein change: p.Arg1561Gly; replaces arginine 1561 with glycine.
Molecular consequence: missense variant. On other transcripts: non-coding transcript variant (1).
Genome position (GRCh38, 1-based): chr19:11,059,798, C>G. VCF-style: chr19-11059798-C-G. GRCh37 (hg19) VCF-style: chr19-11170474-C-G.
Other names: c.4681C>G, p.Arg1561Gly (NM_001128844.3); c.4591C>G, p.Arg1531Gly (NM_001128845.2); c.4588C>G, p.Arg1530Gly (NM_001128846.2); c.4582C>G, p.Arg1528Gly (NM_001128847.4, NM_001374457.1); c.4579C>G, p.Arg1527Gly (NM_001128848.2); c.4777C>G, p.Arg1593Gly (NM_001128849.3, NM_001387283.1); c.4678C>G, p.Arg1560Gly (NM_001411150.1); short protein forms R1528G, R1530G, R1560G, R1527G, R1531G, R1561G, R1593G.
Identifiers: ClinVar variation 1743003 (VCV001743003.4), dbSNP rs749700321, ClinGen allele CA404079322.
Genomic context (GRCh38, chr19:11,059,798, plus strand): 5'-GGTGTCTCTGCCCAGATCTATGAAGACTCCATCGTCTTGCAGTCGGTCTTCACCAGCGTG[C>G]GGCAGAAAATCGAGAAGGAGGATGACAGTGAAGGCGAGGAGAGTGAGGAGGAGGAAGAGG-3'
Protein context (NP_003063.2, residues 1551-1571): IVLQSVFTSV[Arg1561Gly]QKIEKEDDSE